The following is an entry in ClinVar:

ClinVar aggregate classification (germline): Uncertain significance. Review status: criteria provided, single submitter (1 of 4 stars). 2 submissions from 2 submitters: Uncertain significance (1). 1 of the submissions does not count toward it. Last evaluated 2022-11-18.

Conditions:
Alstrom syndrome (ALMS). Identifiers: Orphanet 64, MedGen C0268425, MONDO:0008763, OMIM 203800.
Cardiovascular phenotype. Identifiers: MedGen CN230736.

Allele frequency attached by ClinVar (database versions not stated): gnomAD exomes below 0.00001; TOPMed below 0.00001; ExAC 0.00001; gnomAD 0.00001; ESP Exome Variant Server 0.00008.
gnomAD v4.1: 1 of 1,613,930 alleles (0.000062%); highest among the groups gnomAD compares: African/African-American, 0.0013%; no homozygotes.

Submissions (2):

Ambry Genetics
Classification: Uncertain significance for Cardiovascular phenotype. Last evaluated: 2022-11-18. Review status: criteria provided, single submitter. Criteria: Ambry Variant Classification Scheme 2023. Collection method: clinical testing. Allele origin: germline.
Comment: The p.V2203I variant (also known as c.6607G>A), located in coding exon 8 of the ALMS1 gene, results from a G to A substitution at nucleotide position 6607. The valine at codon 2203 is replaced by isoleucine, an amino acid with highly similar properties. This amino acid position is well conserved in available vertebrate species. In addition, this alteration is predicted to be tolerated by in silico analysis. Since supporting evidence is limited at this time, the clinical significance of this alteration remains unclear.

Counsyl
Classification: Uncertain significance for Alstrom syndrome. Last evaluated: 2018-02-02. Review status: no assertion criteria provided. Collection method: clinical testing. Allele origin: unknown. Not counted in ClinVar's aggregate classification.

NM_001378454.1(ALMS1):c.6604G>A (p.Val2202Ile)

Gene: ALMS1 (ALMS1 centrosome and basal body associated protein; plus strand). Cytogenetic location: 2p13.1.
Variant type: single nucleotide variant.
Coding change: c.6604G>A on transcript NM_001378454.1 (MANE Select); coding-DNA position 6604, G replaced by A.
Protein change: p.Val2202Ile; replaces valine 2202 with isoleucine.
Molecular consequence: missense variant.
Genome position (GRCh38, 1-based): chr2:73,453,131, G>A. VCF-style: chr2-73453131-G-A. GRCh37 (hg19) VCF-style: chr2-73680258-G-A.
Other names: c.6607G>A, p.Val2203Ile (NM_015120.4); short protein forms V2203I, V2202I.
Identifiers: ClinVar variation 556500 (VCV000556500.4), dbSNP rs371544118, ClinGen allele CA1714091.